The following is an entry in ClinVar:

NM_004360.5(CDH1):c.2395C>T (p.Pro799Ser)

Gene: CDH1 (cadherin 1; plus strand). Cytogenetic location: 16q22.1.
Variant type: single nucleotide variant.
Coding change: c.2395C>T on transcript NM_004360.5 (MANE Select); coding-DNA position 2395, C replaced by T.
Protein change: p.Pro799Ser; replaces proline 799 with serine.
Molecular consequence: missense variant.
Genome position (GRCh38, 1-based): chr16:68,829,753, C>T. VCF-style: chr16-68829753-C-T. GRCh37 (hg19) VCF-style: chr16-68863656-C-T.
Other names: c.2395C>T (LRG_301t1); c.2212C>T, p.Pro738Ser (NM_001317184.2); c.847C>T, p.Pro283Ser (NM_001317185.2); c.430C>T, p.Pro144Ser (NM_001317186.2); short protein forms P738S, P144S, P283S, P799S.
Identifiers: ClinVar variation 640264 (VCV000640264.3), dbSNP rs1596972749, ClinGen allele CA396471192.

ClinVar aggregate classification (germline): Uncertain significance. Review status: criteria provided, multiple submitters, no conflicts (2 of 4 stars). 2 submissions from 2 submitters: Uncertain significance (2). Last evaluated 2026-05-14.

Conditions:
Hereditary diffuse gastric adenocarcinoma (HDGC). Also called: DIFFUSE GASTRIC AND LOBULAR BREAST CANCER SYNDROME. Identifiers: Orphanet 26106, MedGen C1708349, MONDO:0007648, OMIM 137215.
Hereditary cancer-predisposing syndrome. Also called: Tumor predisposition; Hereditary Cancer Syndrome; Neoplastic Syndromes, Hereditary; Hereditary neoplastic syndrome. Identifiers: Orphanet 140162, MedGen C0027672, MeSH D009386, MONDO:0015356.

gnomAD v4.1: 1 of 1,613,954 alleles (0.000062%); no homozygotes.

Submissions (2):

Ambry Genetics
Classification: Uncertain significance for Hereditary cancer-predisposing syndrome. Last evaluated: 2026-05-14. Review status: criteria provided, single submitter. Criteria: Ambry Variant Classification Scheme 2023. Collection method: clinical testing. Allele origin: germline.
Comment: The p.P799S variant (also known as c.2395C>T), located in coding exon 15 of the CDH1 gene, results from a C to T substitution at nucleotide position 2395. The proline at codon 799 is replaced by serine, an amino acid with similar properties. This amino acid position is conserved. In addition, the in silico prediction for this alteration is inconclusive. Based on the available evidence, the clinical significance of this variant remains unclear.

Labcorp Genetics (formerly Invitae), Labcorp
Classification: Uncertain significance for Hereditary diffuse gastric adenocarcinoma. Last evaluated: 2026-02-04. Review status: criteria provided, single submitter. Criteria: Invitae Variant Classification Sherloc (09022015). Collection method: clinical testing. Allele origin: germline.
Comment: This sequence change replaces proline, which is neutral and non-polar, with serine, which is neutral and polar, at codon 799 of the CDH1 protein (p.Pro799Ser). This variant is not present in population databases (gnomAD no frequency). This variant has not been reported in the literature in individuals affected with CDH1-related conditions. ClinVar contains an entry for this variant (Variation ID: 640264). An algorithm developed to predict the effect of missense changes on protein structure and function (PolyPhen-2) suggests that this variant is likely to be disruptive. In summary, the available evidence is currently insufficient to determine the role of this variant in disease. Therefore, it has been classified as a Variant of Uncertain Significance.